The following is an entry in ClinVar:

NM_139027.6(ADAMTS13):c.686+4T>G

Gene: ADAMTS13 (ADAM metallopeptidase with thrombospondin type 1 motif 13; plus strand). Cytogenetic location: 9q34.2.
Variant type: single nucleotide variant.
Coding change: c.686+4T>G on transcript NM_139027.6 (MANE Select); 4 bases into the intron after coding-DNA position 686, T replaced by G.
Molecular consequence: intron variant.
Genome position (GRCh38, 1-based): chr9:133,426,349, T>G. VCF-style: chr9-133426349-T-G. GRCh37 (hg19) VCF-style: chr9-136291469-T-G.
Other names: p.?; c.686+4T>G (NM_139025.5, NM_139026.6).
Identifiers: ClinVar variation 262453 (VCV000262453.18), dbSNP rs36219245, ClinGen allele CA10587029.

ClinVar aggregate classification (germline): Benign/Likely benign. Review status: criteria provided, multiple submitters, no conflicts (2 of 4 stars). 6 submissions from 6 submitters: Benign (4); Likely benign (2). Last evaluated 2026-02-04.

Allele frequency attached by ClinVar (database versions not stated): 1000 Genomes Project 30x 0.02623; 1000 Genomes Project 0.02796; TOPMed 0.05407; gnomAD 0.05634 and 0.05749; gnomAD exomes 0.05805; ExAC 0.06125; ESP Exome Variant Server 0.06236.
gnomAD v4.1: 119,561 of 1,599,886 alleles (7.5%); highest among the groups gnomAD compares: Non-Finnish European, 8.9%; 5,192 homozygotes.

Submissions (6):

Labcorp Genetics (formerly Invitae), Labcorp
Classification: Benign. Last evaluated: 2026-02-04. Review status: criteria provided, single submitter. Criteria: Invitae Variant Classification Sherloc (09022015). Collection method: clinical testing. Allele origin: germline.

Blueprint Genetics
Classification: Likely benign. Last evaluated: 2024-11-27. Review status: criteria provided, single submitter. Criteria: ACMG Guidelines, 2015. Collection method: clinical testing. Allele origin: germline.

Mayo Clinic Laboratories, Mayo Clinic
Classification: Benign. Last evaluated: 2023-09-06. Review status: criteria provided, single submitter. Criteria: ACMG Guidelines, 2015. Collection method: clinical testing. Allele origin: germline. Observed: 367 variant alleles.
Comment: BA1, BS2, BP4, BP7

GeneDx
Classification: Benign. Last evaluated: 2021-06-09. Review status: criteria provided, single submitter. Criteria: GeneDx Variant Classification Process June 2021. Collection method: clinical testing. Allele origin: germline. Affected: yes.
Comment: This variant is associated with the following publications: (PMID: 26284228)

Breakthrough Genomics
Classification: Likely benign. Review status: criteria provided, single submitter. Criteria: ACMG Guidelines, 2015. Collection method: not provided. Allele origin: germline. Inheritance: Autosomal recessive inheritance. Affected: yes.

PreventionGenetics, part of Exact Sciences
Classification: Benign. Review status: criteria provided, single submitter. Criteria: ACMG Guidelines, 2015. Collection method: clinical testing. Allele origin: germline.